The following is an entry in ClinVar:

ClinVar aggregate classification (germline): Likely pathogenic. Review status: criteria provided, multiple submitters, no conflicts (2 of 4 stars). 3 submissions from 3 submitters: Likely pathogenic (2). 1 of the submissions does not count toward it. Last evaluated 2026-02-24.

Conditions:
Factor XIII deficiency. Identifiers: MedGen C4316906, MONDO:0002241.
Factor XIII, b subunit, deficiency of. Also called: Factor XIII subunit B deficiency. Identifiers: Orphanet 331, MedGen C2750481, MONDO:0013190, OMIM 613235, HP:0040234.

Allele frequency attached by ClinVar (database versions not stated): ExAC 0.00001; gnomAD 0.00001; gnomAD exomes 0.00001 and 0.00002; 1000 Genomes Project 30x 0.00016; 1000 Genomes Project 0.00020.
gnomAD v4.1: 15 of 1,608,838 alleles (0.00093%); highest among the groups gnomAD compares: South Asian, 0.015%; no homozygotes.

Submissions (3):

Women's Health and Genetics/Laboratory Corporation of America, LabCorp
Classification: Likely pathogenic for Factor XIII, b subunit, deficiency of. Last evaluated: 2026-02-24. Review status: criteria provided, single submitter. Criteria: LabCorp Variant Classification Summary - May 2015. Collection method: clinical testing. Allele origin: germline.
Comment: Variant summary: F13B c.805+1G>A is located in a canonical splice-site and is predicted to affect mRNA splicing resulting in a significantly altered protein due to either exon skipping, shortening, or inclusion of intronic material. Variants that disrupt the consensus splice site are a relatively common cause of aberrant splicing and loss of F13B function. Several computational tools predict a significant impact on normal splicing: Three predict the variant abolishes the canonical 5' splicing donor site. However, these predictions have yet to be confirmed by functional studies. The variant allele was found at a frequency of 1.6e-05 in 250426 control chromosomes. To our knowledge, no occurrence of c.805+1G>A in individuals affected with F13B-related conditions and no experimental evidence demonstrating its impact on protein function have been reported. ClinVar contains an entry for this variant (Variation ID: 1324365). Based on the evidence outlined above, the variant was classified as likely pathogenic.

Revvity Omics, Revvity
Classification: Likely pathogenic for Factor XIII, b subunit, deficiency of. Last evaluated: 2021-05-30. Review status: criteria provided, single submitter. Criteria: ACMG Guidelines, 2015. Collection method: clinical testing. Allele origin: germline.

Molecular Genetics, Labor Dr. Heidrich & Kollegen MVZ GmbH
Classification: Pathogenic for Factor XIII deficiency. Last evaluated: 2024-08-01. Review status: no assertion criteria provided. Collection method: clinical testing. Allele origin: germline. Affected: yes. Not counted in ClinVar's aggregate classification.

NM_001994.3(F13B):c.805+1G>A

Gene: F13B (coagulation factor XIII B chain; minus strand). Cytogenetic location: 1q31.3.
Variant type: single nucleotide variant.
Coding change: c.805+1G>A on transcript NM_001994.3 (MANE Select); the canonical splice donor site of the intron after coding-DNA position 805, G replaced by A.
Molecular consequence: splice donor variant.
Genome position (GRCh38, 1-based): chr1:197,060,365, C>T on the plus strand (G>A on the coding strand, the complement: F13B is on the minus strand). VCF-style: chr1-197060365-C-T. GRCh37 (hg19) VCF-style: chr1-197029495-C-T.
Identifiers: ClinVar variation 1324365 (VCV001324365.6), dbSNP rs550859190, ClinGen allele CA1308481.